The following is an entry in ClinVar:

ClinVar aggregate classification (germline): Conflicting classifications of pathogenicity. Review status: criteria provided, conflicting classifications (1 of 4 stars). 6 submissions from 6 submitters: Uncertain significance (4); Likely benign (2). Last evaluated 2025-05-01.

Conditions:
TTN-related disorder. Also called: TTN-related disorders; TTN-related condition; TTN-related disease.
Autosomal recessive limb-girdle muscular dystrophy type 2J (LGMDR10). Also called: Limb-girdle muscular dystrophy, type 2J; MUSCULAR DYSTROPHY, LIMB-GIRDLE, AUTOSOMAL RECESSIVE 10. Identifiers: Orphanet 140922, MedGen C1837342, MONDO:0012127, OMIM 608807.
Dilated cardiomyopathy 1G (CMD1G). Identifiers: Orphanet 154, MedGen C1858763, MONDO:0011400, OMIM 604145.

Allele frequency attached by ClinVar (database versions not stated): gnomAD exomes 0.00002 and 0.00005; gnomAD 0.00005; ExAC 0.00007; TOPMed 0.00007.
gnomAD v4.1: 31 of 1,613,522 alleles (0.0019%); highest among the groups gnomAD compares: East Asian, 0.018%; no homozygotes.

Submissions (6):

PreventionGenetics, part of Exact Sciences
Classification: Uncertain significance for TTN-related condition. Last evaluated: 2025-05-01. Review status: criteria provided, single submitter. Criteria: ACMG Guidelines, 2015. Collection method: clinical testing. Allele origin: germline.
Comment: The TTN c.16550C>T variant is predicted to result in the amino acid substitution p.Ser5517Leu. To our knowledge, this variant has not been reported in the literature. This variant is reported in 0.023% of alleles in individuals of Latino descent in gnomAD. At this time, the clinical significance of this variant is uncertain due to the absence of conclusive functional and genetic evidence.

Mayo Clinic Laboratories, Mayo Clinic
Classification: Uncertain significance. Last evaluated: 2024-04-25. Review status: criteria provided, single submitter. Criteria: ACMG Guidelines, 2015. Collection method: clinical testing. Allele origin: germline. Observed: 1 variant allele.

Blueprint Genetics
Classification: Likely benign. Last evaluated: 2021-10-19. Review status: criteria provided, single submitter. Criteria: ACMG Guidelines, 2015. Collection method: clinical testing. Allele origin: germline.

Women's Health and Genetics/Laboratory Corporation of America, LabCorp
Classification: Uncertain significance. Last evaluated: 2021-05-24. Review status: criteria provided, single submitter. Criteria: LabCorp Variant Classification Summary - May 2015. Collection method: clinical testing. Allele origin: germline.
Comment: Variant summary: TTN c.12818C>T (p.Ser4273Leu) results in a non-conservative amino acid change located in the I-band domain of the encoded protein sequence. Four of five in-silico tools predict a damaging effect of the variant on protein function. The variant allele was found at a frequency of 5.2e-05 in 248350 control chromosomes (gnomAD). This frequency is not significantly higher than expected for a pathogenic variant in TTN causing Dilated Cardiomyopathy (5.2e-05 vs 0.00039), allowing no conclusion about variant significance. To our knowledge, no occurrence of c.12818C>T in individuals affected with Dilated Cardiomyopathy and no experimental evidence demonstrating its impact on protein function have been reported. One ClinVar submitter (evaluation after 2014) cites the variant as uncertain significance. Based on the evidence outlined above, the variant was classified as uncertain significance.

GeneDx
Classification: Likely benign. Last evaluated: 2020-01-23. Review status: criteria provided, single submitter. Criteria: GeneDx Variant Classification Process June 2021. Collection method: clinical testing. Allele origin: germline. Affected: yes.

Labcorp Genetics (formerly Invitae), Labcorp
Classification: Uncertain significance for Dilated cardiomyopathy 1G; Autosomal recessive limb-girdle muscular dystrophy type 2J. Last evaluated: 2016-05-12. Review status: criteria provided, single submitter. Criteria: Invitae Variant Classification Sherloc (09022015). Collection method: clinical testing. Allele origin: germline.

NM_001267550.2(TTN):c.16550C>T (p.Ser5517Leu)

Gene: TTN (titin; minus strand). Cytogenetic location: 2q31.2.
Variant type: single nucleotide variant.
Coding change: c.16550C>T on transcript NM_001267550.2 (MANE Select); coding-DNA position 16550, C replaced by T.
Protein change: p.Ser5517Leu; replaces serine 5517 with leucine.
Molecular consequence: missense variant. On other transcripts: intron variant (3).
Genome position (GRCh38, 1-based): chr2:178,732,511, G>A on the plus strand (C>T on the coding strand, the complement: TTN is on the minus strand). VCF-style: chr2-178732511-G-A. GRCh37 (hg19) VCF-style: chr2-179597238-G-A.
Other names: p.Ser4273Leu; c.15599C>T, p.Ser5200Leu (NM_001256850.1); c.12818C>T, p.Ser4273Leu (NM_133378.4); c.13282+5571C>T (NM_003319.4); c.13858+5571C>T (NM_133437.4); c.13657+5571C>T (NM_133432.3); short protein forms S5517L, S4273L, S5200L.
Identifiers: ClinVar variation 404721 (VCV000404721.9), dbSNP rs769165258, ClinGen allele CA2002023.
Genomic context (GRCh38, chr2:178,732,511, plus strand): 5'-AAGTTTGCACTGCATTCCACCCCTCCAGCGACATTGCTGACTTTACATGTGTACGTGCCC[G>A]AATCAGAGGTTTTTACTAAATAGAGTTCCAGGGAACTCTCTAAAGCTTCTTTGGTAATAT-3'
Protein context (NP_001254479.2, residues 5507-5527): LELYLVKTSD[Ser5517Leu]GTYTCKVSNV